The following is an entry in ClinVar:

ClinVar aggregate classification (germline): Likely benign. Review status: reviewed by expert panel (3 of 4 stars). 6 submissions from 6 submitters: Likely benign (1). 5 of the submissions do not count toward it. Last evaluated 2017-06-29.

Conditions:
Hereditary breast ovarian cancer syndrome. Also called: Hereditary breast and ovarian cancer syndrome; Hereditary breast and ovarian cancer syndrome (HBOC); BRCA1- and BRCA2-Associated Hereditary Breast and Ovarian Cancer; Breast and ovarian cancer; Hereditary breast and ovarian cancer; Hereditary breast and/or ovarian cancer syndrome. Identifiers: Orphanet 145, MedGen C0677776, MeSH D061325, MONDO:0003582. Disease mechanism: loss of function.
Hereditary cancer-predisposing syndrome. Also called: Hereditary Cancer Syndrome; Hereditary neoplastic syndrome; Tumor predisposition; Neoplastic Syndromes, Hereditary. Identifiers: Orphanet 140162, MedGen C0027672, MeSH D009386, MONDO:0015356.
Familial cancer of breast. Also called: BREAST CANCER, FAMILIAL; Hereditary breast cancer; hereditary breast carcinoma. Identifiers: Orphanet 227535, MedGen C0346153, MONDO:0016419, OMIM 114480. Disease mechanism: loss of function.
Fanconi anemia, complementation group S (FANCS). Identifiers: MedGen C4554406, MONDO:0054748, OMIM 617883.
Breast-ovarian cancer, familial, susceptibility to, 1 (BROVCA1). Also called: OVARIAN CANCER, SUSCEPTIBILITY TO; BRCA1 Hereditary Breast and Ovarian Cancer. Identifiers: Orphanet 145, MedGen C2676676, MONDO:0011450, OMIM 604370. Disease mechanism: loss of function.

Allele frequency attached by ClinVar (database versions not stated): gnomAD exomes below 0.00001 and 0.00001; TOPMed 0.00001; ExAC 0.00002.
gnomAD v4.1: 2 of 1,613,334 alleles (0.00012%); highest among the groups gnomAD compares: East Asian, 0.0022%; no homozygotes.

Submissions (6):

Evidence-based Network for the Interpretation of Germline Mutant Alleles (ENIGMA)
Classification: Likely benign for Breast-ovarian cancer, familial, susceptibility to, 1. Last evaluated: 2017-06-29. Review status: reviewed by expert panel. Criteria: ENIGMA BRCA1/2 Classification Criteria (2017-06-29). Collection method: curation. Allele origin: germline.
Comment: Synonymous substitution variant, with low bioinformatic likelihood to result in a splicing aberration (Splicing prior probability 0.02).

Labcorp Genetics (formerly Invitae), Labcorp
Classification: Likely benign for Hereditary breast ovarian cancer syndrome. Last evaluated: 2025-10-28. Review status: criteria provided, single submitter. Criteria: Invitae Variant Classification Sherloc (09022015). Collection method: clinical testing. Allele origin: germline. Not counted in ClinVar's aggregate classification.

Department of Pathology and Laboratory Medicine, Sinai Health System
Classification: Likely benign for Familial cancer of breast; Breast-ovarian cancer, familial, susceptibility to, 1; Fanconi anemia, complementation group S. Last evaluated: 2024-02-29. Review status: criteria provided, single submitter. Criteria: ACMG Guidelines, 2015. Collection method: clinical testing. Allele origin: germline. Affected: yes. Not counted in ClinVar's aggregate classification.

Color Diagnostics, LLC DBA Color Health
Classification: Likely benign for Hereditary cancer-predisposing syndrome. Last evaluated: 2017-01-09. Review status: criteria provided, single submitter. Criteria: ACMG Guidelines, 2015. Collection method: clinical testing. Allele origin: germline. Not counted in ClinVar's aggregate classification.

Ambry Genetics
Classification: Likely benign for Hereditary cancer-predisposing syndrome. Last evaluated: 2016-11-03. Review status: criteria provided, single submitter. Criteria: Ambry Variant Classification Scheme 2023. Collection method: clinical testing. Allele origin: germline. Not counted in ClinVar's aggregate classification.

GeneDx
Classification: Likely benign. Last evaluated: 2015-12-21. Review status: criteria provided, single submitter. Criteria: GeneDx Variant Classification (06012015). Collection method: clinical testing. Allele origin: germline. Affected: yes. Not counted in ClinVar's aggregate classification.
Comment: This variant is considered likely benign or benign based on one or more of the following criteria: it is a conservative change, it occurs at a poorly conserved position in the protein, it is predicted to be benign by multiple in silico algorithms, and/or has population frequency not consistent with disease.

Literature cited by the submitters: PubMed 32467295 (cited by Department of Pathology and Laboratory Medicine, Sinai Health System).

NM_007294.4(BRCA1):c.834T>G (p.Thr278=)

Gene: BRCA1 (BRCA1 DNA repair associated; minus strand). Cytogenetic location: 17q21.31.
Variant type: single nucleotide variant.
Coding change: c.834T>G on transcript NM_007294.4 (MANE Select); coding-DNA position 834, T replaced by G.
Protein change: p.Thr278=; no amino-acid change (threonine 278 retained).
Molecular consequence: synonymous variant. On other transcripts: 5 prime UTR variant (2), intron variant (137).
Genome position (GRCh38, 1-based): chr17:43,094,697, A>C on the plus strand (T>G on the coding strand, the complement: BRCA1 is on the minus strand). VCF-style: chr17-43094697-A-C. GRCh37 (hg19) VCF-style: chr17-41246714-A-C.
Other names: c.693T>G, p.Thr231= (NM_001407750.1, NM_001407751.1, NM_001407752.1 and 29 more transcripts); c.690T>G, p.Thr230= (NM_001407838.1, NM_001407839.1, NM_001407841.1 and 20 more transcripts); c.621T>G, p.Thr207= (NM_001407853.1, NM_001407894.1, NM_001407895.1 and 9 more transcripts); c.834T>G, p.Thr278= (NM_001407854.1, NM_001407858.1, NM_001407859.1 and 30 more transcripts); c.831T>G, p.Thr277= (NM_001407860.1, NM_001407861.1, NM_001407587.1 and 22 more transcripts); c.633T>G, p.Thr211= (NM_001407862.1); c.711T>G, p.Thr237= (NM_001407863.1, NM_001407919.1, NM_001407937.1 and 19 more transcripts); c.630T>G, p.Thr210= (NM_001407874.1, NM_001407875.1); and 40 more.
Identifiers: ClinVar variation 184380 (VCV000184380.31), dbSNP rs762956862, ClinGen allele CA003928.